The following is an entry in ClinVar:

NM_057175.5(NAA15):c.2317T>C (p.Tyr773His)

Gene: NAA15 (N-alpha-acetyltransferase 15, NatA auxiliary subunit; plus strand). Cytogenetic location: 4q31.1.
Variant type: single nucleotide variant.
Coding change: c.2317T>C on transcript NM_057175.5 (MANE Select); coding-DNA position 2317, T replaced by C.
Protein change: p.Tyr773His; replaces tyrosine 773 with histidine.
Molecular consequence: missense variant.
Genome position (GRCh38, 1-based): chr4:139,386,147, T>C. VCF-style: chr4-139386147-T-C. GRCh37 (hg19) VCF-style: chr4-140307301-T-C.
Other names: c.2314T>C, p.Tyr772His (NM_001410842.1); c.*726T>C (NM_025085.2); short protein forms Y772H, Y773H.
Identifiers: ClinVar variation 1713511 (VCV001713511.5), dbSNP rs1748903328, ClinGen allele CA358270829.

ClinVar aggregate classification (germline): Uncertain significance (1 of 4 stars; one submission).

Allele frequency attached by ClinVar (database versions not stated): gnomAD exomes below 0.00001.
gnomAD v4.1: 1 of 1,593,842 alleles (0.000063%); highest among the groups gnomAD compares: Non-Finnish European, 0.000086%; no homozygotes.

Submission:

Labcorp Genetics (formerly Invitae), Labcorp
Classification: Uncertain significance. Last evaluated: 2022-11-01. Review status: criteria provided, single submitter. Criteria: Invitae Variant Classification Sherloc (09022015). Collection method: clinical testing. Allele origin: germline.
Comment: In summary, the available evidence is currently insufficient to determine the role of this variant in disease. Therefore, it has been classified as a Variant of Uncertain Significance. Algorithms developed to predict the effect of missense changes on protein structure and function are either unavailable or do not agree on the potential impact of this missense change (SIFT: "Deleterious"; PolyPhen-2: "Possibly Damaging"; Align-GVGD: "Class C0"). This variant has not been reported in the literature in individuals affected with NAA15-related conditions. This variant is not present in population databases (gnomAD no frequency). This sequence change replaces tyrosine, which is neutral and polar, with histidine, which is basic and polar, at codon 773 of the NAA15 protein (p.Tyr773His).